The following is an entry in ClinVar:

NM_001042492.3(NF1):c.3267A>T (p.Glu1089Asp)

Gene: NF1 (neurofibromin 1; plus strand). Cytogenetic location: 17q11.2.
Variant type: single nucleotide variant.
Coding change: c.3267A>T on transcript NM_001042492.3 (MANE Select); coding-DNA position 3267, A replaced by T.
Protein change: p.Glu1089Asp; replaces glutamic acid 1089 with aspartic acid.
Molecular consequence: missense variant.
Genome position (GRCh38, 1-based): chr17:31,232,142, A>T. VCF-style: chr17-31232142-A-T. GRCh37 (hg19) VCF-style: chr17-29559160-A-T.
Other names: c.3267A>T, p.Glu1089Asp (NM_000267.4); short protein forms E1089D.
Identifiers: ClinVar variation 3237720 (VCV003237720.1), dbSNP rs1156280518.

ClinVar aggregate classification (germline): Uncertain significance (1 of 4 stars; one submission).

Conditions:
Hereditary cancer-predisposing syndrome. Also called: Neoplastic Syndromes, Hereditary; Tumor predisposition; Hereditary neoplastic syndrome; Hereditary Cancer Syndrome. Identifiers: Orphanet 140162, MedGen C0027672, MeSH D009386, MONDO:0015356.
Cardiovascular phenotype. Identifiers: MedGen CN230736.

Submission:

Ambry Genetics
Classification: Uncertain significance for Cardiovascular phenotype; Hereditary cancer-predisposing syndrome. Last evaluated: 2023-09-14. Review status: criteria provided, single submitter. Criteria: Ambry Variant Classification Scheme 2023. Collection method: clinical testing. Allele origin: germline.
Comment: The p.E1089D variant (also known as c.3267A>T), located in coding exon 25 of the NF1 gene, results from an A to T substitution at nucleotide position 3267. The glutamic acid at codon 1089 is replaced by aspartic acid, an amino acid with highly similar properties. This amino acid position is conserved. In addition, this alteration is predicted to be tolerated by in silico analysis. Since supporting evidence is limited at this time, the clinical significance of this alteration remains unclear.